The following is an entry in ClinVar:

NM_005732.4(RAD50):c.3299C>T (p.Ala1100Val)

Gene: RAD50 (RAD50 double strand break repair protein; plus strand). Cytogenetic location: 5q31.1.
Variant type: single nucleotide variant.
Coding change: c.3299C>T on transcript NM_005732.4 (MANE Select); coding-DNA position 3299, C replaced by T.
Protein change: p.Ala1100Val; replaces alanine 1100 with valine.
Molecular consequence: missense variant.
Genome position (GRCh38, 1-based): chr5:132,618,204, C>T. VCF-style: chr5-132618204-C-T. GRCh37 (hg19) VCF-style: chr5-131953896-C-T.
Other names: short protein forms A1100V.
Identifiers: ClinVar variation 5027694 (VCV005027694.1).

ClinVar aggregate classification (germline): Uncertain significance (1 of 4 stars; one submission).

Conditions:
Hereditary cancer-predisposing syndrome. Also called: Neoplastic Syndromes, Hereditary; Tumor predisposition; Hereditary neoplastic syndrome; Hereditary Cancer Syndrome. Identifiers: Orphanet 140162, MedGen C0027672, MeSH D009386, MONDO:0015356.

Submission:

Ambry Genetics
Classification: Uncertain significance for Hereditary cancer-predisposing syndrome. Last evaluated: 2026-06-15. Review status: criteria provided, single submitter. Criteria: Ambry Variant Classification Scheme 2023. Collection method: clinical testing. Allele origin: germline.
Comment: The p.A1100V variant (also known as c.3299C>T), located in coding exon 21 of the RAD50 gene, results from a C to T substitution at nucleotide position 3299. The alanine at codon 1100 is replaced by valine, an amino acid with similar properties. This amino acid position is conserved. In addition, the in silico prediction for this alteration is inconclusive. Based on the available evidence, the clinical significance of this variant remains unclear.